The following is an entry in ClinVar:

NM_017934.7(PHIP):c.1484A>T (p.Asp495Val)

Gene: PHIP (PHIP subunit of CUL4-Ring ligase complex; minus strand). Cytogenetic location: 6q14.1.
Variant type: single nucleotide variant.
Coding change: c.1484A>T on transcript NM_017934.7 (MANE Select); coding-DNA position 1484, A replaced by T.
Protein change: p.Asp495Val; replaces aspartic acid 495 with valine.
Molecular consequence: missense variant.
Genome position (GRCh38, 1-based): chr6:79,015,122, T>A on the plus strand (A>T on the coding strand, the complement: PHIP is on the minus strand). VCF-style: chr6-79015122-T-A. GRCh37 (hg19) VCF-style: chr6-79724839-T-A.
Other names: short protein forms D495V.
Identifiers: ClinVar variation 3235789 (VCV003235789.1), dbSNP rs2482131548, ClinGen allele CA364634040.
Genomic context (GRCh38, chr6:79,015,122, plus strand): 5'-ATGAAGAGAATGATAATTACCATATTGAAATAAGATCGTATTTTGACTCCTCTTGCCAGA[T>A]CCCACACTATCACGTTTCCATCATGACCAGCAGAAAAGAGAACTCTAGGATCGAACGGGT-3'
Protein context (NP_060404.4, residues 485-505): AGHDGNVIVW[Asp495Val]LARGVKIRSY

ClinVar aggregate classification (germline): Uncertain significance (1 of 4 stars; one submission).

Submission:

Greenwood Genetic Center Diagnostic Laboratories, Greenwood Genetic Center
Classification: Uncertain significance. Last evaluated: 2024-03-12. Review status: criteria provided, single submitter. Criteria: ACMG Guidelines, 2015. Collection method: clinical testing. Allele origin: germline. Affected: yes.
Comment: PM2, PP2, PP3